The following is an entry in ClinVar:

ClinVar aggregate classification (germline): Uncertain significance (1 of 4 stars; one submission).

Submission:

Labcorp Genetics (formerly Invitae), Labcorp
Classification: Uncertain significance. Last evaluated: 2025-12-02. Review status: criteria provided, single submitter. Criteria: Invitae Variant Classification Sherloc (09022015). Collection method: clinical testing. Allele origin: germline.
Comment: This sequence change creates a premature translational stop signal (p.Gln505*) in the ZHX3 gene. It is expected to result in an absent or disrupted protein product. However, the current clinical and genetic evidence is not sufficient to establish whether loss-of-function variants in ZHX3 cause disease. This variant is not present in population databases (gnomAD no frequency). This variant has not been reported in the literature in individuals affected with ZHX3-related conditions. In summary, the available evidence is currently insufficient to determine the role of this variant in disease. Therefore, it has been classified as a Variant of Uncertain Significance.

NM_001384317.1(ZHX3):c.1513C>T (p.Gln505Ter)

Gene: ZHX3 (zinc fingers and homeoboxes 3; minus strand). Cytogenetic location: 20q12.
Variant type: single nucleotide variant.
Coding change: c.1513C>T on transcript NM_001384317.1 (MANE Select); coding-DNA position 1513, C replaced by T.
Protein change: p.Gln505Ter; replaces glutamine 505 with a stop codon.
Molecular consequence: nonsense.
Genome position (GRCh38, 1-based): chr20:41,203,404, G>A on the plus strand (C>T on the coding strand, the complement: ZHX3 is on the minus strand). VCF-style: chr20-41203404-G-A. GRCh37 (hg19) VCF-style: chr20-39832044-G-A.
Other names: c.1513C>T, p.Gln505Ter (NM_001384318.1, NM_001384319.1, NM_001384320.1 and 8 more transcripts); short protein forms Q505*.
Identifiers: ClinVar variation 4729527 (VCV004729527.1).
Genomic context (GRCh38, chr20:41,203,404, plus strand): 5'-CAACTTCGCTCTGCCCTGGGAACTGGTTCCGACAGAAGCTCCCTTTCAGAGCTGACAGCT[G>A]TTCATGAGATTTCTTATTTTTGTAGATGCTAGCATCAAGGAAGGCTTGGGAGGTTATGCT-3'